The following is an entry in ClinVar:

ClinVar aggregate classification (germline): Uncertain significance (1 of 4 stars; one submission).

Conditions:
D-2-hydroxyglutaric aciduria 2 (D2HGA2). Identifiers: Orphanet 79315, MedGen C3150909, MONDO:0013345, OMIM 613657.

Allele frequency attached by ClinVar (database versions not stated): TOPMed below 0.00001; gnomAD 0.00001; gnomAD exomes 0.00001; ExAC 0.00003.
gnomAD v4.1: 22 of 1,613,994 alleles (0.0014%); highest among the groups gnomAD compares: Admixed American, 0.023%; no homozygotes.

Submission:

Labcorp Genetics (formerly Invitae), Labcorp
Classification: Uncertain significance for D-2-hydroxyglutaric aciduria 2. Last evaluated: 2022-08-19. Review status: criteria provided, single submitter. Criteria: Invitae Variant Classification Sherloc (09022015). Collection method: clinical testing. Allele origin: germline.
Comment: In summary, the available evidence is currently insufficient to determine the role of this variant in disease. Therefore, it has been classified as a Variant of Uncertain Significance. Algorithms developed to predict the effect of missense changes on protein structure and function (SIFT, PolyPhen-2, Align-GVGD) all suggest that this variant is likely to be disruptive. This variant has not been reported in the literature in individuals affected with IDH2-related conditions. This variant is present in population databases (rs774183637, gnomAD 0.04%), and has an allele count higher than expected for a pathogenic variant. This sequence change replaces tyrosine, which is neutral and polar, with cysteine, which is neutral and slightly polar, at codon 274 of the IDH2 protein (p.Tyr274Cys).

NM_002168.4(IDH2):c.821A>G (p.Tyr274Cys)

Gene: IDH2 (isocitrate dehydrogenase (NADP(+)) 2; minus strand). Cytogenetic location: 15q26.1.
Variant type: single nucleotide variant.
Coding change: c.821A>G on transcript NM_002168.4 (MANE Select); coding-DNA position 821, A replaced by G.
Protein change: p.Tyr274Cys; replaces tyrosine 274 with cysteine.
Molecular consequence: missense variant.
Genome position (GRCh38, 1-based): chr15:90,087,258, T>C on the plus strand (A>G on the coding strand, the complement: IDH2 is on the minus strand). VCF-style: chr15-90087258-T-C. GRCh37 (hg19) VCF-style: chr15-90630490-T-C.
Other names: c.665A>G, p.Tyr222Cys (NM_001289910.1); c.431A>G, p.Tyr144Cys (NM_001290114.2); short protein forms Y144C, Y222C, Y274C.
Identifiers: ClinVar variation 1900729 (VCV001900729.5), dbSNP rs774183637, ClinGen allele CA7733043.